The following is an entry in ClinVar:

NM_002439.5(MSH3):c.1063A>T (p.Asn355Tyr)

Gene: MSH3 (mutS homolog 3; plus strand). Cytogenetic location: 5q14.1.
Variant type: single nucleotide variant.
Coding change: c.1063A>T on transcript NM_002439.5 (MANE Select); coding-DNA position 1063, A replaced by T.
Protein change: p.Asn355Tyr; replaces asparagine 355 with tyrosine.
Molecular consequence: missense variant.
Genome position (GRCh38, 1-based): chr5:80,675,018, A>T. VCF-style: chr5-80675018-A-T. GRCh37 (hg19) VCF-style: chr5-79970837-A-T.
Other names: c.1063A>T (NM_002439.3); short protein forms N355Y.
Identifiers: ClinVar variation 1480847 (VCV001480847.9), dbSNP rs751448831, ClinGen allele CA360267943.

ClinVar aggregate classification (germline): Uncertain significance. Review status: criteria provided, multiple submitters, no conflicts (2 of 4 stars). 2 submissions from 2 submitters: Uncertain significance (2). Last evaluated 2025-05-02.

Conditions:
Hereditary cancer-predisposing syndrome. Also called: Tumor predisposition; Hereditary Cancer Syndrome; Hereditary neoplastic syndrome; Neoplastic Syndromes, Hereditary. Identifiers: Orphanet 140162, MedGen C0027672, MeSH D009386, MONDO:0015356.

Submissions (2):

Ambry Genetics
Classification: Uncertain significance for Hereditary cancer-predisposing syndrome. Last evaluated: 2025-05-02. Review status: criteria provided, single submitter. Criteria: Ambry Variant Classification Scheme 2023. Collection method: clinical testing. Allele origin: germline.
Comment: The p.N355Y variant (also known as c.1063A>T), located in coding exon 7 of the MSH3 gene, results from an A to T substitution at nucleotide position 1063. The asparagine at codon 355 is replaced by tyrosine, an amino acid with dissimilar properties. This amino acid position is conserved. In addition, this alteration is predicted to be tolerated by in silico analysis. Based on the available evidence, the clinical significance of this variant remains unclear.

Labcorp Genetics (formerly Invitae), Labcorp
Classification: Uncertain significance. Last evaluated: 2023-10-10. Review status: criteria provided, single submitter. Criteria: Invitae Variant Classification Sherloc (09022015). Collection method: clinical testing. Allele origin: germline.
Comment: This sequence change replaces asparagine, which is neutral and polar, with tyrosine, which is neutral and polar, at codon 355 of the MSH3 protein (p.Asn355Tyr). This variant is not present in population databases (gnomAD no frequency). This variant has not been reported in the literature in individuals affected with MSH3-related conditions. ClinVar contains an entry for this variant (Variation ID: 1480847). An algorithm developed to predict the effect of missense changes on protein structure and function (PolyPhen-2) suggests that this variant is likely to be disruptive. In summary, the available evidence is currently insufficient to determine the role of this variant in disease. Therefore, it has been classified as a Variant of Uncertain Significance.